The following is an entry in ClinVar:

ClinVar aggregate classification (germline): Pathogenic (1 of 4 stars; one submission).

Conditions:
Ellis-van Creveld syndrome (EVC). Also called: EVC-Related Ellis-van Creveld Syndrome; EVC2-Related Ellis-van Creveld Syndrome; MESOECTODERMAL DYSPLASIA; Chondroectodermal dysplasia. Identifiers: Orphanet 289, MedGen C0013903, MONDO:0009162, OMIM 225500.
Curry-Hall syndrome (WAD). Also called: WEYERS ACRODENTAL DYSOSTOSIS. Identifiers: Orphanet 952, MedGen C0457013, MONDO:0008673, OMIM 193530.

Submission:

Labcorp Genetics (formerly Invitae), Labcorp
Classification: Pathogenic for Curry-Hall syndrome; Ellis-van Creveld syndrome. Last evaluated: 2023-12-01. Review status: criteria provided, single submitter. Criteria: Invitae Variant Classification Sherloc (09022015). Collection method: clinical testing. Allele origin: germline.
Comment: This sequence change creates a premature translational stop signal (p.Ala530Phefs*15) in the EVC2 gene. It is expected to result in an absent or disrupted protein product. Loss-of-function variants in EVC2 are known to be pathogenic (PMID: 17024374, 19810119, 19876929). This variant is not present in population databases (gnomAD no frequency). This variant has not been reported in the literature in individuals affected with EVC2-related conditions. For these reasons, this variant has been classified as Pathogenic.

Literature cited by the submitters: PubMed 17024374; PubMed 19810119; PubMed 19876929.

NM_147127.5(EVC2):c.1588_1591del (p.Ala530fs)

Gene: EVC2 (EvC ciliary complex subunit 2; minus strand). Cytogenetic location: 4p16.2.
Variant type: Microsatellite.
Coding change: c.1588_1591del on transcript NM_147127.5 (MANE Select); coding-DNA positions 1588 to 1591, 4 bases deleted (GCTG; older notation c.1588_1591delGCTG).
Protein change: p.Ala530fs; shifts the reading frame from alanine 530.
Molecular consequence: frameshift variant.
Genome position (GRCh38, 1-based): chr4:5,631,912-5,631,915, CAGC deleted on the plus strand (GCTG on the coding strand, the reverse complement: EVC2 is on the minus strand); deleting any 4 consecutive bases within chr4:5,631,912-5,631,919 gives the same sequence; the c. name uses the placement nearest the transcript's 3' end. VCF-style (leftmost placement, unchanged base first): chr4-5631911-ACAGC-A. GRCh37 (hg19) VCF-style: chr4-5633638-ACAGC-A.
Other names: c.1348_1351del, p.Ala450fs (NM_001166136.2); short protein forms A530fs, A450fs.
Identifiers: ClinVar variation 2954123 (VCV002954123.3), dbSNP rs2475407272, ClinGen allele CA2740091129.